The following is an entry in ClinVar:

ClinVar aggregate classification (germline): Pathogenic (1 of 4 stars; one submission).

Conditions:
Sulfite oxidase deficiency due to molybdenum cofactor deficiency type C. Also called: Molybdenum cofactor deficiency, complementation group C; Molybdenum cofactor deficiency C. Identifiers: Orphanet 308400, Orphanet 833, MedGen C1854990, MONDO:0014212, OMIM 615501.

Allele frequency attached by ClinVar (database versions not stated): gnomAD exomes below 0.00001; gnomAD 0.00001; TOPMed 0.00001.

Submission:

Labcorp Genetics (formerly Invitae), Labcorp
Classification: Pathogenic for Sulfite oxidase deficiency due to molybdenum cofactor deficiency type C. Last evaluated: 2024-12-16. Review status: criteria provided, single submitter. Criteria: Invitae Variant Classification Sherloc (09022015). Collection method: clinical testing. Allele origin: germline.
Comment: This sequence change creates a premature translational stop signal (p.Tyr268*) in the GPHN gene. It is expected to result in an absent or disrupted protein product. Loss-of-function variants in GPHN are known to be pathogenic (PMID: 11095995, 23184456, 23393157, 24561070, 26613940). This variant is not present in population databases (gnomAD no frequency). This variant has not been reported in the literature in individuals affected with GPHN-related conditions. ClinVar contains an entry for this variant (Variation ID: 2021431). For these reasons, this variant has been classified as Pathogenic.

Literature cited by the submitters: PubMed 11095995; PubMed 23184456; PubMed 23393157; PubMed 24561070; PubMed 26613940.

NM_020806.5(GPHN):c.802_803insG (p.Tyr268Ter)

Gene: GPHN (gephyrin; plus strand). Cytogenetic location: 14q23.3.
Variant type: Insertion.
Coding change: c.802_803insG on transcript NM_020806.5 (MANE Select); coding-DNA positions 802 to 803, G inserted.
Protein change: p.Tyr268Ter; replaces tyrosine 268 with a stop codon.
Molecular consequence: nonsense. On other transcripts: intron variant (7).
Genome position: GRCh38 VCF-style: chr14-66924266-T-TG. GRCh37 (hg19) VCF-style: chr14-67390983-T-TG.
Other names: c.768+1328_768+1329insG (NM_001377514.1, NM_001377519.1); c.729+1328_729+1329insG (NM_001377515.1, NM_001377516.1, NM_001377518.1 and 2 more transcripts); short protein forms Y268*.
Identifiers: ClinVar variation 2021431 (VCV002021431.4), dbSNP rs1214630241, ClinGen allele CA707906676.
Genomic context (GRCh38, chr14:66,924,266, plus strand): 5'-TACACCAGTCCTGCTGTTGTCATGGCACACGGTGAACAGCCCATCCCTGGTCTCATCAAT[T>TG]ATTCCCATCATTCAACAGATGAACGGGTAAGACAAGAGGCTTTTGCATTAATGGTTTTCC-3'